The following is an entry in ClinVar:

ClinVar aggregate classification (germline): Benign/Likely benign. Review status: criteria provided, multiple submitters, no conflicts (2 of 4 stars). 2 submissions from 2 submitters: Benign (1); Likely benign (1). Last evaluated 2018-06-18.

Conditions:
Diabetic retinopathy. Identifiers: MedGen C0011884, MONDO:0005266.

Allele frequency attached by ClinVar (database versions not stated): gnomAD 0.89885 and 0.90059; TOPMed 0.90443; 1000 Genomes Project 30x 0.93801; 1000 Genomes Project 0.93930.
gnomAD v4.1: 136,973 of 152,176 alleles (90%); highest among the groups gnomAD compares: East Asian, 100%; 61,751 homozygotes.

Submissions (2):

GeneDx
Classification: Benign. Last evaluated: 2018-06-18. Review status: criteria provided, single submitter. Criteria: GeneDx Variant Classification (06012015). Collection method: clinical testing. Allele origin: germline. Affected: yes.
Comment: This variant is considered likely benign or benign based on one or more of the following criteria: it is a conservative change, it occurs at a poorly conserved position in the protein, it is predicted to be benign by multiple in silico algorithms, and/or has population frequency not consistent with disease.

Clinical Genomics, Uppaluri K&H Personalized Medicine Clinic
Classification: Likely benign for Diabetic retinopathy. Review status: criteria provided, single submitter. Criteria: K And H Uppaluri Personalized Medicine Clinic Variant Classification And Assertion Criteria Updated V 2. Collection method: research. Allele origin: unknown.
Comment: Potent mutations in TGFBR2 gene encodes the transforming growth factor that have been associated with angiogenesis and diabetic retinopathy. More clinical studies are needed for stronger association. However, more evidence is required to confer the association of this particular variant rs6790706 with diabetic retinopathy.

Literature cited by the submitters: PubMed 30222965 (cited by Clinical Genomics, Uppaluri K&H Personalized Medicine Clinic); PubMed 28162229 (cited by Clinical Genomics, Uppaluri K&H Personalized Medicine Clinic); PubMed 34572573 (cited by Clinical Genomics, Uppaluri K&H Personalized Medicine Clinic).

NM_003242.6(TGFBR2):c.264-289G>A

Gene: TGFBR2 (transforming growth factor beta receptor 2; plus strand). Cytogenetic location: 3p24.1.
Variant type: single nucleotide variant.
Coding change: c.264-289G>A on transcript NM_003242.6 (MANE Select); 289 bases into the intron before coding-DNA position 264, G replaced by A.
Molecular consequence: intron variant.
Genome position (GRCh38, 1-based): chr3:30,649,981, G>A. VCF-style: chr3-30649981-G-A. GRCh37 (hg19) VCF-style: chr3-30691473-G-A.
Other names: c.159-289G>A (NM_001407129.1, NM_001407132.1, NM_001407136.1 and 3 more transcripts); c.339-289G>A (NM_001407126.1, NM_001024847.3, NM_001407139.1); c.170-21657G>A (NM_001407137.1); c.264-289G>A (NM_001407127.1, NM_001407130.1); c.95-21657G>A (NM_001407138.1); c.291-289G>A (NM_001407128.1).
Identifiers: ClinVar variation 683997 (VCV000683997.3), dbSNP rs6790706, ClinGen allele CA16139063.